The following is an entry in ClinVar:

NM_000051.4(ATM):c.8873_8874del (p.Leu2957_Phe2958insTer)

Genes: ATM (ATM serine/threonine kinase; plus strand), C11orf65 (chromosome 11 open reading frame 65; minus strand). Cytogenetic location: 11q22.3.
Variant type: Deletion.
Coding change: c.8873_8874del on transcript NM_000051.4 (MANE Select); coding-DNA positions 8873 to 8874, 2 bases deleted (TT; older notation c.8873_8874delTT).
Protein change: p.Leu2957_Phe2958insTer.
Molecular consequence: nonsense. On other transcripts: intron variant (2).
Genome position (GRCh38, 1-based): chr11:108,365,104-108,365,105, TT deleted; deleting any 2 consecutive bases within chr11:108,365,103-108,365,105 gives the same sequence; the c. name uses the placement nearest the transcript's 3' end. VCF-style (leftmost placement, unchanged base first): chr11-108365102-CTT-C. GRCh37 (hg19) VCF-style: chr11-108235829-CTT-C.
Other names: c.8873_8874del, p.Leu2957_Phe2958insTer (NM_001351834.2); c.640+20816_640+20817del (NM_001330368.2); c.694+20816_694+20817del (NM_001351110.2).
Identifiers: ClinVar variation 220831 (VCV000220831.37), dbSNP rs864622669, ClinGen allele CA350133.
Genomic context (GRCh38, chr11:108,365,102, plus strand): 5'-TGTACATTGTTCTTTTAATACATATGTTCTCTCTGTTTAGGTCCTTCTATATGATCCACT[CTT>C]TGACTGGACCATGAATCCTTTGAAAGCTTTGTATTTACAGCAGAGGCCGGAAGATGAAAC-3'

ClinVar aggregate classification (germline): Pathogenic. Review status: criteria provided, multiple submitters, no conflicts (2 of 4 stars). 8 submissions from 8 submitters: Pathogenic (7). 1 of the submissions does not count toward it. Last evaluated 2025-10-18.

Conditions:
Hereditary cancer-predisposing syndrome. Also called: Neoplastic Syndromes, Hereditary; Hereditary neoplastic syndrome; Tumor predisposition; Hereditary Cancer Syndrome. Identifiers: Orphanet 140162, MedGen C0027672, MeSH D009386, MONDO:0015356.
Familial cancer of breast. Also called: hereditary breast carcinoma; Hereditary breast cancer; BREAST CANCER, FAMILIAL. Identifiers: Orphanet 227535, MedGen C0346153, MONDO:0016419, OMIM 114480. Disease mechanism: loss of function.
Ataxia-telangiectasia syndrome (AT). Also called: Ataxia telangiectasia (A-T); Cerebello-oculocutaneous telangiectasia; Immunodeficiency with ataxia telangiectasia; LOUIS-BAR SYNDROME; AT, COMPLEMENTATION GROUP C; ATAXIA-TELANGIECTASIA, FRESNO VARIANT. Identifiers: Orphanet 100, MedGen C0004135, MONDO:0008840, OMIM 208900.

Submissions (8):

Labcorp Genetics (formerly Invitae), Labcorp
Classification: Pathogenic for Ataxia-telangiectasia syndrome. Last evaluated: 2025-10-18. Review status: criteria provided, single submitter. Criteria: Invitae Variant Classification Sherloc (09022015). Collection method: clinical testing. Allele origin: germline.
Comment: This sequence change creates a premature translational stop signal (p.Phe2958*) in the ATM gene. It is expected to result in an absent or disrupted protein product. Loss-of-function variants in ATM are known to be pathogenic (PMID: 23807571, 25614872). This variant is present in population databases (rs748866283, gnomAD 0.003%). This premature translational stop signal has been observed in individual(s) with ataxia-telangiectasia (PMID: 27664052). ClinVar contains an entry for this variant (Variation ID: 220831). For these reasons, this variant has been classified as Pathogenic.

Ambry Genetics
Classification: Pathogenic for Hereditary cancer-predisposing syndrome. Last evaluated: 2024-12-24. Review status: criteria provided, single submitter. Criteria: Ambry Variant Classification Scheme 2023. Collection method: clinical testing. Allele origin: germline.
Comment: The c.8873_8874delTT pathogenic mutation, located in coding exon 61 of the ATM gene, results from a deletion of two nucleotides at nucleotide positions 8873 to 8874, causing a translational frameshift with a predicted alternate stop codon (p.F2958*). This variant is considered to be rare based on population cohorts in the Genome Aggregation Database (gnomAD). In addition to the clinical data presented in the literature, this alteration is expected to result in loss of function by premature protein truncation or nonsense-mediated mRNA decay. As such, this alteration is interpreted as a disease-causing mutation.

GeneDx
Classification: Pathogenic. Last evaluated: 2024-08-17. Review status: criteria provided, single submitter. Criteria: GeneDx Variant Classification Process June 2021. Collection method: clinical testing. Allele origin: germline. Affected: yes.
Comment: Nonsense variant predicted to result in protein truncation or nonsense mediated decay in a gene for which loss of function is a known mechanism of disease; Truncating variants in this gene are considered pathogenic by a well-established clinical consortium and/or database; Not observed at significant frequency in large population cohorts (gnomAD); This variant is associated with the following publications: (PMID: 31589614, 30995915, 21665257, 31921681, 29922827, 33804961, 35017683, 36029002, 34887416, 36377723, 31069529, 28691344, 27664052)

Fulgent Genetics
Classification: Pathogenic for Familial cancer of breast; Ataxia-telangiectasia syndrome. Last evaluated: 2024-05-02. Review status: criteria provided, single submitter. Criteria: ACMG Guidelines, 2015. Collection method: clinical testing. Allele origin: germline.

Myriad Genetics, Inc.
Classification: Pathogenic for Familial cancer of breast. Last evaluated: 2024-02-06. Review status: criteria provided, single submitter. Criteria: Myriad Autosomal Dominant, Autosomal Recessive and X-Linked Classification Criteria (2023). Collection method: clinical testing. Allele origin: unknown.
Comment: This variant is considered pathogenic. This variant creates a termination codon and is predicted to result in premature protein truncation.

Color Diagnostics, LLC DBA Color Health
Classification: Pathogenic for Hereditary cancer-predisposing syndrome. Last evaluated: 2023-05-05. Review status: criteria provided, single submitter. Criteria: ACMG Guidelines, 2015. Collection method: clinical testing. Allele origin: germline.
Comment: This variant changes 1 nucleotide in exon 62 of the ATM gene, creating a premature translation stop signal. This variant is expected to result in an absent or non-functional protein product. This variant has been reported in an individual affected with ataxia-telangiectasia (PMID: 27664052) and an individual affected with bilateral breast cancer (PMID: 28691344). This variant has been identified in 1/251380 chromosomes in the general population by the Genome Aggregation Database (gnomAD). Loss of ATM function is a known mechanism of disease. Based on the available evidence, this variant is classified as Pathogenic.

Baylor Genetics
Classification: Pathogenic for Familial cancer of breast. Last evaluated: 2023-03-04. Review status: criteria provided, single submitter. Criteria: ACMG Guidelines, 2015. Collection method: clinical testing. Allele origin: unknown.

BRCAlab, Lund University
Classification: Pathogenic for Familial cancer of breast. Last evaluated: 2022-08-26. Review status: no assertion criteria provided. Collection method: clinical testing. Allele origin: germline. Affected: yes. Not counted in ClinVar's aggregate classification.

Literature cited by the submitters: PubMed 23807571 (cited by Labcorp Genetics (formerly Invitae), Labcorp); PubMed 25614872 (cited by Labcorp Genetics (formerly Invitae), Labcorp); PubMed 27664052 (cited by Labcorp Genetics (formerly Invitae), Labcorp and Color Diagnostics, LLC DBA Color Health); PubMed 28691344 (cited by Color Diagnostics, LLC DBA Color Health).